The following is an entry in ClinVar:

ClinVar aggregate classification (germline): Pathogenic/Likely pathogenic. Review status: criteria provided, multiple submitters, no conflicts (2 of 4 stars). 10 submissions from 10 submitters: Pathogenic (6); Likely pathogenic (1). 3 of the submissions do not count toward it. Last evaluated 2025-10-13.

Conditions:
KCNQ1-related disorder. Also called: KCNQ1-related disorders; KCNQ1-related condition. Identifiers: MedGen CN239322.
Cardiovascular phenotype. Identifiers: MedGen CN230736.
Familial long QT syndrome (RWS). Also called: Romano-Ward syndrome; VENTRICULAR FIBRILLATION WITH PROLONGED QT INTERVAL; Congenital long QT syndrome. Identifiers: Orphanet 768, MedGen C1141890, MONDO:0019171.
Long QT syndrome (LQTS). Identifiers: MedGen C0023976, MeSH D008133, MONDO:0002442. Disease mechanism: loss of function. Inheritance: Various modes of inheritance.
Long QT syndrome 1 (LQT1). Identifiers: Orphanet 101016, Orphanet 768, MedGen C4551647, MONDO:0100316, OMIM 192500, MONDO:0008646.

Allele frequency attached by ClinVar (database versions not stated): gnomAD 0.00001; TOPMed 0.00001.
gnomAD v4.1: 2 of 1,613,700 alleles (0.00012%); highest among the groups gnomAD compares: African/African-American, 0.0013%; no homozygotes.

Submissions (10):

Labcorp Genetics (formerly Invitae), Labcorp
Classification: Pathogenic for Long QT syndrome. Last evaluated: 2025-10-13. Review status: criteria provided, single submitter. Criteria: Invitae Variant Classification Sherloc (09022015). Collection method: clinical testing. Allele origin: germline.
Comment: This sequence change replaces glycine, which is neutral and non-polar, with aspartic acid, which is acidic and polar, at codon 269 of the KCNQ1 protein (p.Gly269Asp). This variant is not present in population databases (gnomAD no frequency). This missense change has been observed in individual(s) with Jervell and Lange-Nielsen syndrome and/or long QT syndrome (PMID: 9386136, 10973849, 12051962, 17470695). In at least one individual the data is consistent with being in trans (on the opposite chromosome) from a pathogenic variant. It has also been observed to segregate with disease in related individuals. ClinVar contains an entry for this variant (Variation ID: 3145). Invitae Evidence Modeling of protein sequence and biophysical properties (such as structural, functional, and spatial information, amino acid conservation, physicochemical variation, residue mobility, and thermodynamic stability) indicates that this missense variant is expected to disrupt KCNQ1 protein function with a positive predictive value of 95%. Experimental studies have shown that this missense change affects KCNQ1 function (PMID: 9312006, 12522251). For these reasons, this variant has been classified as Pathogenic.

Mayo Clinic Laboratories, Mayo Clinic
Classification: Pathogenic. Last evaluated: 2025-02-06. Review status: criteria provided, single submitter. Criteria: ACMG Guidelines, 2015. Collection method: clinical testing. Allele origin: germline. Observed: 1 variant allele.
Comment: PP1_strong, PP3_strong, PM2_supporting, PM3, PM5, PS4

Laboratory for Molecular Medicine, Mass General Brigham Personalized Medicine
Classification: Pathogenic for Familial long QT syndrome. Last evaluated: 2023-06-30. Review status: criteria provided, single submitter. Criteria: ACMG Guidelines, 2015. Collection method: clinical testing. Allele origin: germline. Inheritance: Autosomal dominant inheritance.
Comment: The p.Gly269Asp variant in KCNQ1 has been reported in the heterozygous state in at least 36 individuals with long QT syndrome (LQTS) and in the compound heterozygous state in 1 individual with Jervell and Lange-Nielsen syndrome (JNLS). This variant segregated with LQTS in 7 relatives from 2 families (Donger 1997 PMID: 9386136, Wang 2002 PMID: 12051962, Moss 2007 PMID: 17470695). This variant has also been reported by other clinical laboratories in Clinvar (Variation ID 3145) and was identified in 0.002% (1/41470) African/African American and in 0.001% (1/68042) European chromosomes by gnomAD (v.3.1.2). In vitro functional studies provide some evidence that this variant results in a non-functional potassium channel (Chouabe 1997 PMID: 9312006, Chen 2003 PMID: 12522251) and computational prediction tools and conservation analyses suggest that this variant impacts the protein. At least 1 additional variant involving this codon (p.Gly269Ser) has been identified in individuals with LQTS and is classified as pathogenic by several clinical laboratories in ClinVar (Variation ID: 3144). In summary, this variant meets criteria to be classified as pathogenic for autosomal dominant LQTS. ACMG/AMP Criteria applied: PS4, PP1_Strong, PM5, PP3, PS3_Supporting, PM2_supporting.

Ambry Genetics
Classification: Pathogenic for Cardiovascular phenotype. Last evaluated: 2022-05-02. Review status: criteria provided, single submitter. Criteria: Ambry Variant Classification Scheme 2023. Collection method: clinical testing. Allele origin: germline.
Comment: The p.G269D pathogenic mutation (also known as c.806G>A), located in coding exon 6 of the KCNQ1 gene, results from a G to A substitution at nucleotide position 806. The glycine at codon 269 is replaced by aspartic acid, an amino acid with similar properties. This alteration has been reported in a number of individuals with long QT syndrome (LQTS) and was shown to segregate with the disease in a few families (Donger C et al. Circulation. 1997;96:2778-81; Splawski I et al. Circulation. 2000;102:1178-85; Wang Z et al. Mol. Genet. Metab. 2002;75:308-16; Moss AJ et al. Circulation. 2007;115:2481-9; Kapplinger JD et al. Heart Rhythm. 2009;6:1297-303). In vitro studies suggested that this alteration would affect channel activity (Chouabe C et al. EMBO J. 1997;16:5472-9; Chen YH et al. Science. 2003;299:251-4). This variant is considered to be rare based on population cohorts in the Genome Aggregation Database (gnomAD). In addition, another alteration at the same amino acid position, G269S, has also been reported in association with LQTS and to segregate with the disease (Shimizu W et al. J. Am. Coll. Cardiol. 2004;44:117-25; Chen S et al. Clin. Genet. 2003;63:273-82; Berge KE et al. Scand. J. Clin. Lab. Invest. 2008;68:362-8). In addition, this alteration is predicted to be deleterious by in silico analysis. Based on the supporting evidence, this alteration is interpreted as a disease-causing mutation.

GeneDx
Classification: Pathogenic. Last evaluated: 2022-03-23. Review status: criteria provided, single submitter. Criteria: GeneDx Variant Classification Process June 2021. Collection method: clinical testing. Allele origin: germline. Affected: yes.
Comment: Reported in multiple individuals in association with LQTS (Donger et al., 1997; Splawski et al., 2000; Moss et al., 2007; Kapplinger et al., 2009); Not observed in large population cohorts (gnomAD); In silico analysis supports that this missense variant has a deleterious effect on protein structure/function; Published functional studies demonstrate this variant results in a loss of function of the ion channel (Chouabe et al., 1997; Chen et al., 2003); This variant is associated with the following publications: (PMID: 23130128, 21185501, 19815527, 27761162, 10973849, 14678125, 15466642, 17470695, 12205113, 22629021, 23139254, 25649125, 9312006, 19716085, 15840476, 22581653, 31980526, 34319147, 12051962, 12522251, 9386136)

AiLife Diagnostics
Classification: Likely pathogenic. Last evaluated: 2021-08-05. Review status: criteria provided, single submitter. Criteria: ACMG Guidelines, 2015. Collection method: clinical testing. Allele origin: germline. Affected: yes. Observed: 1 variant allele.

ARUP Laboratories, Molecular Genetics and Genomics, ARUP Laboratories
Classification: Pathogenic. Last evaluated: 2017-08-14. Review status: criteria provided, single submitter. Criteria: ARUP Molecular Germline Variant Investigation Process. Collection method: clinical testing. Allele origin: germline.
Comment: The p.Gly269Asp variant (rs120074194) has been reported to segregate with disease in two unrelated families (Donger 1997 and Wang 2002), and was also identified in an individual with a history of near-drowning and a high clinical probability of having long QT syndrome (Choi 2004). The p.Gly269Asp variant was also identified in four out of 2,500 patients (0.16%) suspected of having long-QT syndrome (Kapplinger 2009), but is absent from general population databases such as 1000 Genomes, the Exome Variant Server (ESV), and the Genome Aggregation Database (gnomAD) browser. Functional studies demonstrate that the KCNQ1 p.Gly269Asp substitution eliminates activity of potassium channels (Chen 2003 and Chouabe 1997). Furthermore, another variant at this position (p.Gly269Ser) has been identified in individuals with long QT syndrome (Ackerman 1999, Choi 2004, Kapplinger 2009, Shimizu 2004, and Wu 2014). Based on the available evidence, the p.Gly269Asp variant is considered pathogenic.

PreventionGenetics, part of Exact Sciences
Classification: Pathogenic for KCNQ1-related condition. Last evaluated: 2024-02-01. Review status: no assertion criteria provided. Collection method: clinical testing. Allele origin: germline. Not counted in ClinVar's aggregate classification.
Comment: The KCNQ1 c.806G>A variant is predicted to result in the amino acid substitution p.Gly269Asp. This variant is also known as p.Gly142Asp in the literature. This variant was reported in numerous individuals with long QT syndrome and sudden cardiac death (Donger et al. 1997. PubMed ID: 9386136; online appendix, Goldenberg et al. 2011. PubMed ID: 21185501; eTable 3, Guo et al. 2021. PubMed ID: 34076677; Table SXIII, Choi et al. 2021. PubMed ID: 34319147; Table S1, Schwartz et al. 2021. PubMed ID: 34505893). Functional studies showed that this variant results in a loss-of-function potassium channel (Chouabe et al. 1997. PubMed ID: 9312006; Chen et al. 2003. PubMed ID: 12522251). This variant has not been reported in a large population database, indicating this variant is rare. Different nucleotide substitutions affecting the same amino acid (p.Gly269Ser, p.Gly269Arg) have been reported to be causative for long QT syndrome (Human Gene Mutation Database). Taken together, the c.806G>A (p.Gly269Asp) variant is interpreted as pathogenic.

OMIM
Classification: Pathogenic for LONG QT SYNDROME 1. Last evaluated: 1997-11-04. Review status: no assertion criteria provided. Collection method: literature only. Allele origin: germline. Not counted in ClinVar's aggregate classification.

Cardiovascular Biomedical Research Unit, Royal Brompton & Harefield NHS Foundation Trust
No classification provided. Condition: Familial long QT syndrome. Review status: no classification provided. Collection method: literature only. Allele origin: germline. Not counted in ClinVar's aggregate classification.
Comment: This variant has been reported as associated with Long QT syndrome in the following publications (PMID:9386136;PMID:10973849;PMID:12051962;PMID:14678125;PMID:15466642;PMID:15840476;PMID:19716085;PMID:17470695). This is a literature report, and does not necessarily reflect the clinical interpretation of the Imperial College / Royal Brompton Cardiovascular Genetics laboratory.

Literature cited by the submitters: PubMed 9386136 (cited by 7 submitters); PubMed 10973849 (cited by 4 submitters); PubMed 12051962 (cited by 5 submitters); PubMed 17470695 (cited by 5 submitters); PubMed 9312006 (cited by 5 submitters); PubMed 12522251 (cited by 3 submitters); PubMed 12702160 (cited by Mayo Clinic Laboratories, Mayo Clinic and Ambry Genetics); PubMed 19716085 (cited by 3 submitters); PubMed 34319147 (cited by Mayo Clinic Laboratories, Mayo Clinic); PubMed 34505893 (cited by Mayo Clinic Laboratories, Mayo Clinic); PubMed 14678125 (cited by Ambry Genetics and Cardiovascular Biomedical Research Unit, Royal Brompton & Harefield NHS Foundation Trust); PubMed 15234419 (cited by Ambry Genetics); PubMed 18752142 (cited by Ambry Genetics); PubMed 22581653 (cited by Ambry Genetics and Cardiovascular Biomedical Research Unit, Royal Brompton & Harefield NHS Foundation Trust); PubMed 31980526 (cited by AiLife Diagnostics); PubMed 15466642 (cited by Cardiovascular Biomedical Research Unit, Royal Brompton & Harefield NHS Foundation Trust); PubMed 15840476 (cited by Cardiovascular Biomedical Research Unit, Royal Brompton & Harefield NHS Foundation Trust).

NM_000218.3(KCNQ1):c.806G>A (p.Gly269Asp)

Gene: KCNQ1 (potassium voltage-gated channel subfamily Q member 1; plus strand). Cytogenetic location: 11p15.5.
Variant type: single nucleotide variant.
Coding change: c.806G>A on transcript NM_000218.3 (MANE Select); coding-DNA position 806, G replaced by A.
Protein change: p.Gly269Asp; replaces glycine 269 with aspartic acid.
Molecular consequence: missense variant.
Genome position (GRCh38, 1-based): chr11:2,572,871, G>A. VCF-style: chr11-2572871-G-A. GRCh37 (hg19) VCF-style: chr11-2594101-G-A.
Other names: p.G269D:GGC>GAC; c.806G>A, p.Gly269Asp (NM_001406836.1); c.536G>A, p.Gly179Asp (NM_001406837.1); c.425G>A, p.Gly142Asp (NM_181798.2); c.806G>A (LRG_287t1); short protein forms G269D, G142D, G179D.
Identifiers: ClinVar variation 3145 (VCV000003145.25), dbSNP rs120074194, ClinGen allele CA008292.